The following is an entry in ClinVar:

NM_001080442.3(SLC38A8):c.1018G>A (p.Asp340Asn)

Gene: SLC38A8 (solute carrier family 38 member 8; minus strand). Cytogenetic location: 16q23.3.
Variant type: single nucleotide variant.
Coding change: c.1018G>A on transcript NM_001080442.3 (MANE Select); coding-DNA position 1018, G replaced by A.
Protein change: p.Asp340Asn; replaces aspartic acid 340 with asparagine.
Molecular consequence: missense variant.
Genome position (GRCh38, 1-based): chr16:84,016,663, C>T on the plus strand (G>A on the coding strand, the complement: SLC38A8 is on the minus strand). VCF-style: chr16-84016663-C-T. GRCh37 (hg19) VCF-style: chr16-84050268-C-T.
Other names: short protein forms D340N.
Identifiers: ClinVar variation 2057820 (VCV002057820.3), dbSNP rs200459710, ClinGen allele CA8199826.

ClinVar aggregate classification (germline): Uncertain significance. Review status: criteria provided, multiple submitters, no conflicts (2 of 4 stars). 3 submissions from 3 submitters: Uncertain significance (3). Last evaluated 2024-07-11.

Conditions:
Inborn genetic diseases. Identifiers: MedGen C0950123, MeSH D030342.

Allele frequency attached by ClinVar (database versions not stated): TOPMed 0.00026; gnomAD 0.00028; ExAC 0.00029; ESP Exome Variant Server 0.00031.
gnomAD v4.1: 439 of 1,613,530 alleles (0.027%); highest among the groups gnomAD compares: Non-Finnish European, 0.034%; no homozygotes.

Submissions (3):

Blueprint Genetics
Classification: Uncertain significance. Last evaluated: 2024-07-11. Review status: criteria provided, single submitter. Criteria: ACMG Guidelines, 2015. Collection method: clinical testing. Allele origin: germline.

Labcorp Genetics (formerly Invitae), Labcorp
Classification: Uncertain significance. Last evaluated: 2022-07-30. Review status: criteria provided, single submitter. Criteria: Invitae Variant Classification Sherloc (09022015). Collection method: clinical testing. Allele origin: germline.
Comment: This sequence change replaces aspartic acid, which is acidic and polar, with asparagine, which is neutral and polar, at codon 340 of the SLC38A8 protein (p.Asp340Asn). This variant is present in population databases (rs200459710, gnomAD 0.04%). This variant has not been reported in the literature in individuals affected with SLC38A8-related conditions. Algorithms developed to predict the effect of missense changes on protein structure and function output the following: SIFT: "Tolerated"; PolyPhen-2: "Benign"; Align-GVGD: "Class C0". The asparagine amino acid residue is found in multiple mammalian species, which suggests that this missense change does not adversely affect protein function. In summary, the available evidence is currently insufficient to determine the role of this variant in disease. Therefore, it has been classified as a Variant of Uncertain Significance.

Ambry Genetics
Classification: Uncertain significance for Inborn genetic diseases. Last evaluated: 2022-06-07. Review status: criteria provided, single submitter. Criteria: Ambry Variant Classification Scheme 2023. Collection method: clinical testing. Allele origin: germline.